The following is an entry in ClinVar:

ClinVar aggregate classification (germline): Benign/Likely benign. Review status: criteria provided, multiple submitters, no conflicts (2 of 4 stars). 4 submissions from 4 submitters: Benign (1); Likely benign (2). 1 of the submissions does not count toward it. Last evaluated 2025-10-27.

Conditions:
UNC119-related disorder. Also called: UNC119-related condition.
Cone-rod dystrophy. Also called: Cone/cone-rod dystrophy; Cone-rod degeneration. Identifiers: Orphanet 1872, MedGen C4085590, MONDO:0015993, HP:0000548.

Allele frequency attached by ClinVar (database versions not stated): ESP Exome Variant Server 0.00008; gnomAD 0.00012; gnomAD exomes 0.00018 and 0.00037; TOPMed 0.00024; 1000 Genomes Project 30x 0.00031; 1000 Genomes Project 0.00040; ExAC 0.00050.
gnomAD v4.1: 291 of 1,613,696 alleles (0.018%); highest among the groups gnomAD compares: Middle Eastern, 0.18%; no homozygotes.

Submissions (4):

Labcorp Genetics (formerly Invitae), Labcorp
Classification: Likely benign. Last evaluated: 2025-10-27. Review status: criteria provided, single submitter. Criteria: Invitae Variant Classification Sherloc (09022015). Collection method: clinical testing. Allele origin: germline.

Blueprint Genetics
Classification: Likely benign. Last evaluated: 2024-11-04. Review status: criteria provided, single submitter. Criteria: ACMG Guidelines, 2015. Collection method: clinical testing. Allele origin: germline.

Illumina Laboratory Services, Illumina
Classification: Benign for Cone-rod dystrophy. Last evaluated: 2018-01-12. Review status: criteria provided, single submitter. Criteria: ICSL Variant Classification Criteria 13 December 2019. Collection method: clinical testing. Allele origin: germline.
Comment: This variant was observed in the ICSL laboratory as part of a predisposition screen in an ostensibly healthy population. It had not been previously curated by ICSL or reported in the Human Gene Mutation Database (HGMD: prior to June 1st, 2018), and was therefore a candidate for classification through an automated scoring system. Utilizing variant allele frequency, disease prevalence and penetrance estimates, and inheritance mode, an automated score was calculated to assess if this variant is too frequent to cause the disease. Based on the score and internal cut-off values, a variant classified as benign is not then subjected to further curation. The score for this variant resulted in a classification of benign for this disease.

PreventionGenetics, part of Exact Sciences
Classification: Likely benign for UNC119-related condition. Last evaluated: 2020-03-26. Review status: no assertion criteria provided. Collection method: clinical testing. Allele origin: germline. Not counted in ClinVar's aggregate classification.
Comment: This variant is classified as likely benign based on ACMG/AMP sequence variant interpretation guidelines (Richards et al. 2015 PMID: 25741868, with internal and published modifications).

NM_005148.4(UNC119):c.437+7C>T

Gene: UNC119 (unc-119 lipid binding chaperone; minus strand). Cytogenetic location: 17q11.2.
Variant type: single nucleotide variant.
Coding change: c.437+7C>T on transcript NM_005148.4 (MANE Select); 7 bases into the intron after coding-DNA position 437, C replaced by T.
Molecular consequence: intron variant.
Genome position (GRCh38, 1-based): chr17:28,547,992, G>A on the plus strand (C>T on the coding strand, the complement: UNC119 is on the minus strand). VCF-style: chr17-28547992-G-A. GRCh37 (hg19) VCF-style: chr17-26875010-G-A.
Other names: c.437+7C>T (NM_054035.2); c.152+7C>T (NM_001330166.2).
Identifiers: ClinVar variation 322465 (VCV000322465.15), dbSNP rs200659406, ClinGen allele CA8459799.